The following is an entry in ClinVar:

ClinVar aggregate classification (germline): Pathogenic. Review status: criteria provided, multiple submitters, no conflicts (2 of 4 stars). 2 submissions from 2 submitters: Pathogenic (2). Last evaluated 2026-04-19.

Conditions:
ABCB11-related disorder. Also called: ABCB11-related condition.

Submissions (2):

PreventionGenetics, part of Exact Sciences
Classification: Pathogenic for ABCB11-related condition. Last evaluated: 2026-04-19. Review status: criteria provided, single submitter. Criteria: ACMG Guidelines, 2015. Collection method: clinical testing. Allele origin: germline.
Comment: The ABCB11 c.2541delT variant is predicted to result in a frameshift and premature protein termination (p.Phe847Leufs*11). To our knowledge, this variant has not been reported in the literature or in a large population database (gnomAD), indicating this variant is rare. This variant is interpreted as pathogenic in ClinVar (Variation ID: 657852). Frameshift variants in ABCB11 are expected to be pathogenic. This variant is interpreted as pathogenic.

Labcorp Genetics (formerly Invitae), Labcorp
Classification: Pathogenic. Last evaluated: 2023-07-08. Review status: criteria provided, single submitter. Criteria: Invitae Variant Classification Sherloc (09022015). Collection method: clinical testing. Allele origin: germline.
Comment: This variant is not present in population databases (gnomAD no frequency). This sequence change creates a premature translational stop signal (p.Phe847Leufs*11) in the ABCB11 gene. It is expected to result in an absent or disrupted protein product. Loss-of-function variants in ABCB11 are known to be pathogenic (PMID: 18395098, 20232290). This variant has not been reported in the literature in individuals affected with ABCB11-related conditions. ClinVar contains an entry for this variant (Variation ID: 657852). For these reasons, this variant has been classified as Pathogenic.

Literature cited by the submitters: PubMed 18395098 (cited by Labcorp Genetics (formerly Invitae), Labcorp); PubMed 20232290 (cited by Labcorp Genetics (formerly Invitae), Labcorp).

NM_003742.4(ABCB11):c.2541del (p.Phe847fs)

Gene: ABCB11 (ATP binding cassette subfamily B member 11; minus strand). Cytogenetic location: 2q31.1.
Variant type: Deletion.
Coding change: c.2541del on transcript NM_003742.4 (MANE Select); coding-DNA position 2541, one base deleted (T; older notation c.2541delT).
Protein change: p.Phe847fs; shifts the reading frame from phenylalanine 847.
Molecular consequence: frameshift variant.
Genome position (GRCh38, 1-based): chr2:168,944,674, A deleted on the plus strand (T on the coding strand, the reverse complement: ABCB11 is on the minus strand); the first of 3 consecutive A bases (chr2:168,944,674-168,944,676); deleting any one gives the same sequence. VCF-style (leftmost placement, unchanged base first): chr2-168944673-CA-C. GRCh37 (hg19) VCF-style: chr2-169801183-CA-C.
Other names: c.2541del, p.Phe847fs (LRG_1199t1); c.2541delT (NM_003742.2); short protein forms F847fs.
Identifiers: ClinVar variation 657852 (VCV000657852.7), dbSNP rs1574415650, ClinGen allele CA915942945.